The following is an entry in ClinVar:

NM_001009944.3(PKD1):c.2579G>T (p.Arg860Leu)

Gene: PKD1 (polycystin 1, transient receptor potential channel interacting; minus strand). Cytogenetic location: 16p13.3.
Variant type: single nucleotide variant.
Coding change: c.2579G>T on transcript NM_001009944.3 (MANE Select); coding-DNA position 2579, G replaced by T.
Protein change: p.Arg860Leu; replaces arginine 860 with leucine.
Molecular consequence: missense variant.
Genome position (GRCh38, 1-based): chr16:2,114,444, C>A on the plus strand (G>T on the coding strand, the complement: PKD1 is on the minus strand). VCF-style: chr16-2114444-C-A. GRCh37 (hg19) VCF-style: chr16-2164445-C-A.
Other names: NM_001009944.3(PKD1):p.(Arg860Leu); c.2579G>T, p.Arg860Leu (NM_000296.4); short protein forms R860L.
Identifiers: ClinVar variation 4875653 (VCV004875653.1).
Genomic context (GRCh38, chr16:2,114,444, plus strand): 5'-GTGGCCACCAGGGCAGGGCAGACATTCTCAAAGCGGGCGCTGACACTGCCCCCAGGCCAG[C>A]GAGCCGTGGCCGTGGCGTTGGCACCAGAGTCCACCTGGAGCACCAAGGCTGAGCCGTTGG-3'
Protein context (NP_001009944.3, residues 850-870): DSGANATATA[Arg860Leu]WPGGSVSARF

ClinVar aggregate classification (germline): Uncertain significance (1 of 4 stars; one submission).

Conditions:
Polycystic kidney disease, adult type (PKD1). Also called: Polycystic Kidney, Autosomal Dominant; POLYCYSTIC KIDNEY DISEASE, ADULT, TYPE I; Polycystic Kidney Disease 1, Autosomal Dominant; Polycystic kidney disease 1; Polycystic kidney disease 1, severe; POLYCYSTIC KIDNEY DISEASE 1 WITH OR WITHOUT POLYCYSTIC LIVER DISEASE. Identifiers: MedGen C3149841, MONDO:0008263, OMIM 173900.

gnomAD v4.1: 2 of 1,598,084 alleles (0.00013%); highest among the groups gnomAD compares: Non-Finnish European, 0.00017%; no homozygotes.

Submission:

Department of Medical Genetics, Ordu University Medical School Training and Research Hospital
Classification: Uncertain significance for Polycystic kidney disease, adult type. Last evaluated: 2026-06-21. Review status: criteria provided, single submitter. Criteria: ACMG Guidelines, 2015. Collection method: clinical testing. Allele origin: germline. Affected: yes. Observed: 1 variant allele.
Comment: Third PKD (Ig-like) domain (UniProt P98161, residues 855-928). ACMG-AMP: PM1, PM2_supporting, PP3. Absent from gnomAD v4.1. REVEL 0.62; CADD 25.8; AlphaMissense 0.71; PhyloP 5.12.